The following is an entry in ClinVar:

ClinVar aggregate classification (germline): Uncertain significance (1 of 4 stars; one submission).

Conditions:
Genitopatellar syndrome (GTPTS). Also called: ABSENT PATELLAE, SCROTAL HYPOPLASIA, RENAL ANOMALIES, FACIAL DYSMORPHISM, AND MENTAL RETARDATION; Genitopatellar syndrome (GPS). Identifiers: Orphanet 85201, MedGen C1853566, MONDO:0011640, OMIM 606170.

Submission:

Labcorp Genetics (formerly Invitae), Labcorp
Classification: Uncertain significance for Genitopatellar syndrome. Last evaluated: 2025-11-19. Review status: criteria provided, single submitter. Criteria: Invitae Variant Classification Sherloc (09022015). Collection method: clinical testing. Allele origin: germline.
Comment: This sequence change replaces isoleucine, which is neutral and non-polar, with methionine, which is neutral and non-polar, at codon 1636 of the KAT6B protein (p.Ile1636Met). This variant is not present in population databases (gnomAD no frequency). This variant has not been reported in the literature in individuals affected with KAT6B-related conditions. Invitae Evidence Modeling of protein sequence and biophysical properties (such as structural, functional, and spatial information, amino acid conservation, physicochemical variation, residue mobility, and thermodynamic stability) indicates that this missense variant is not expected to disrupt KAT6B protein function with a negative predictive value of 80%. In summary, the available evidence is currently insufficient to determine the role of this variant in disease. Therefore, it has been classified as a Variant of Uncertain Significance.

NM_012330.4(KAT6B):c.4908C>G (p.Ile1636Met)

Gene: KAT6B (lysine acetyltransferase 6B; plus strand). Cytogenetic location: 10q22.2.
Variant type: single nucleotide variant.
Coding change: c.4908C>G on transcript NM_012330.4 (MANE Select); coding-DNA position 4908, C replaced by G.
Protein change: p.Ile1636Met; replaces isoleucine 1636 with methionine.
Molecular consequence: missense variant.
Genome position (GRCh38, 1-based): chr10:75,029,732, C>G. VCF-style: chr10-75029732-C-G. GRCh37 (hg19) VCF-style: chr10-76789490-C-G.
Other names: c.4359C>G, p.Ile1453Met (NM_001256468.2, NM_001370138.1); c.4032C>G, p.Ile1344Met (NM_001256469.2, NM_001370139.1, NM_001370140.1 and 2 more transcripts); c.3870C>G, p.Ile1290Met (NM_001370132.1); c.3219C>G, p.Ile1073Met (NM_001370133.1); c.2823C>G, p.Ile941Met (NM_001370134.1); c.2565C>G, p.Ile855Met (NM_001370135.1); c.4908C>G, p.Ile1636Met (NM_001370136.1, NM_001370137.1); c.3843C>G, p.Ile1281Met (NM_001370143.1, NM_001370144.1); short protein forms I1290M, I855M, I1281M, I1073M, I1344M, I1453M, I1636M, I941M.
Identifiers: ClinVar variation 4741565 (VCV004741565.1).
Genomic context (GRCh38, chr10:75,029,732, plus strand): 5'-CCCAAGTGTCCCTGCTCTGGAAAACAGCTACGCCCAAATCAGCCCAGATCAAAGTGCCAT[C>G]TCAGTGCCATCTCTGCAGAACATGGAAACCAGTCCCATGATGGATGTCCCATCAGTTTCA-3'
Protein context (NP_036462.2, residues 1626-1646): YAQISPDQSA[Ile1636Met]SVPSLQNMET